The following is an entry in ClinVar:

ClinVar aggregate classification (germline): Uncertain significance. Review status: criteria provided, multiple submitters, no conflicts (2 of 4 stars). 2 submissions from 2 submitters: Uncertain significance (2). Last evaluated 2024-11-07.

Conditions:
Autosomal recessive limb-girdle muscular dystrophy type 2A (LGMDR1). Also called: Calpainopathy; Muscular dystrophy, limb-girdle, type 2A, Amish; LEYDEN-MOEBIUS MUSCULAR DYSTROPHY; MUSCULAR DYSTROPHY, PELVOFEMORAL; Limb-girdle muscular dystrophy, type 2A. Identifiers: Orphanet 267, MedGen C1869123, MONDO:0009675, OMIM 253600. Disease mechanism: loss of function.

Allele frequency attached by ClinVar (database versions not stated): gnomAD 0.00001; TOPMed 0.00001; ExAC 0.00002.
gnomAD v4.1: 1 of 1,613,940 alleles (0.000062%); highest among the groups gnomAD compares: Non-Finnish European, 0.000085%; no homozygotes.

Submissions (2):

Labcorp Genetics (formerly Invitae), Labcorp
Classification: Uncertain significance for Autosomal recessive limb-girdle muscular dystrophy type 2A. Last evaluated: 2024-11-07. Review status: criteria provided, single submitter. Criteria: Invitae Variant Classification Sherloc (09022015). Collection method: clinical testing. Allele origin: germline.
Comment: This sequence change replaces alanine, which is neutral and non-polar, with proline, which is neutral and non-polar, at codon 497 of the CAPN3 protein (p.Ala497Pro). This variant is present in population databases (rs764770392, gnomAD 0.002%). This variant has not been reported in the literature in individuals affected with CAPN3-related conditions. ClinVar contains an entry for this variant (Variation ID: 2688717). Invitae Evidence Modeling of protein sequence and biophysical properties (such as structural, functional, and spatial information, amino acid conservation, physicochemical variation, residue mobility, and thermodynamic stability) indicates that this missense variant is not expected to disrupt CAPN3 protein function with a negative predictive value of 80%. In summary, the available evidence is currently insufficient to determine the role of this variant in disease. Therefore, it has been classified as a Variant of Uncertain Significance.

Revvity Omics, Revvity
Classification: Uncertain significance. Last evaluated: 2024-04-18. Review status: criteria provided, single submitter. Criteria: ACMG Guidelines, 2015. Collection method: clinical testing. Allele origin: germline.

NM_000070.3(CAPN3):c.1489G>C (p.Ala497Pro)

Gene: CAPN3 (calpain 3; plus strand). Cytogenetic location: 15q15.1.
Variant type: single nucleotide variant.
Coding change: c.1489G>C on transcript NM_000070.3 (MANE Select); coding-DNA position 1489, G replaced by C.
Protein change: p.Ala497Pro; replaces alanine 497 with proline.
Molecular consequence: missense variant.
Genome position (GRCh38, 1-based): chr15:42,401,775, G>C. VCF-style: chr15-42401775-G-C. GRCh37 (hg19) VCF-style: chr15-42693973-G-C.
Other names: c.1489G>C, p.Ala497Pro (NM_024344.2); c.1345G>C, p.Ala449Pro (NM_173087.2); c.1228G>C, p.Ala410Pro (NM_212464.2); c.*1182G>C (NM_212467.2); short protein forms A410P, A449P, A497P.
Identifiers: ClinVar variation 2688717 (VCV002688717.4), dbSNP rs764770392, ClinGen allele CA7511369.